The following is an entry in ClinVar:

ClinVar aggregate classification (germline): Uncertain significance (1 of 4 stars; one submission).

Conditions:
Schuurs-Hoeijmakers syndrome. Also called: PACS1-Related Neurodevelopmental Disorder. Identifiers: Orphanet 329224, MedGen C3554343, MONDO:0014006, OMIM 615009.

Submission:

Dasa
Classification: Uncertain significance for Schuurs-Hoeijmakers syndrome. Last evaluated: 2026-03-24. Review status: criteria provided, single submitter. Criteria: DASA Assertion Criteria. Collection method: clinical testing. Allele origin: germline.
Comment: NM_018026.4(PACS1):c.844_849del (p.Glu282_Glu283del) is an in-frame deletion predicted to remove amino acids from glutamic acid at protein position 282 through glutamic acid at protein position 283 without shifting the reading frame. This variant is absent from population databases. The currently available literature and clinical evidence are not sufficient to establish a definitive association between this variant and the reported condition. Therefore, this variant is classified as a variant of uncertain significance.

NM_018026.4(PACS1):c.838GAAGAG[1] (p.Glu282_Glu283del)

Gene: PACS1 (phosphofurin acidic cluster sorting protein 1; plus strand). Cytogenetic location: 11q13.2.
Variant type: Microsatellite.
Coding change: c.838GAAGAG[1] on transcript NM_018026.4 (MANE Select); one copy of the 6-base unit GAAGAG starting at c.838; the reference has two copies in a row; one copy, 6 bases deleted; also written c.844_849del.
Protein change: p.Glu282_Glu283del.
Molecular consequence: inframe deletion.
Genome position (GRCh38, 1-based): chr11:66,216,558-66,216,563, GAAGAG deleted; deleting any 6 consecutive bases within chr11:66,216,549-66,216,563 gives the same sequence; the position shown is the placement nearest the transcript's 3' end. VCF-style (leftmost placement, unchanged base first): chr11-66216548-TGAGGAA-T. GRCh37 (hg19) VCF-style: chr11-65984019-TGAGGAA-T.
Other names: c.844_849del (NM_018026.4).
Identifiers: ClinVar variation 4884091 (VCV004884091.2).